The following is an entry in ClinVar:

NM_021830.5(TWNK):c.2002T>C (p.Ser668Pro)

Gene: TWNK (twinkle mtDNA helicase; plus strand). Cytogenetic location: 10q24.31.
Variant type: single nucleotide variant.
Coding change: c.2002T>C on transcript NM_021830.5 (MANE Select); coding-DNA position 2002, T replaced by C.
Protein change: p.Ser668Pro; replaces serine 668 with proline.
Molecular consequence: missense variant. On other transcripts: 3 prime UTR variant (2), non-coding transcript variant (5).
Genome position (GRCh38, 1-based): chr10:100,993,457, T>C. VCF-style: chr10-100993457-T-C. GRCh37 (hg19) VCF-style: chr10-102753214-T-C.
Other names: c.*297T>C (NM_001163812.2, NM_001163814.2); c.640T>C, p.Ser214Pro (NM_001163813.2, NM_001368275.1); short protein forms S214P, S668P.
Identifiers: ClinVar variation 2996457 (VCV002996457.3), dbSNP rs752911053, ClinGen allele CA5653384.

ClinVar aggregate classification (germline): Uncertain significance (1 of 4 stars; one submission).

Allele frequency attached by ClinVar (database versions not stated): ExAC 0.00001; gnomAD 0.00001; gnomAD exomes 0.00001; TOPMed 0.00001.

Submission:

Labcorp Genetics (formerly Invitae), Labcorp
Classification: Uncertain significance. Last evaluated: 2025-01-26. Review status: criteria provided, single submitter. Criteria: Invitae Variant Classification Sherloc (09022015). Collection method: clinical testing. Allele origin: germline.
Comment: This sequence change replaces serine, which is neutral and polar, with proline, which is neutral and non-polar, at codon 668 of the TWNK protein (p.Ser668Pro). This variant is present in population databases (rs752911053, gnomAD 0.0008%). This variant has not been reported in the literature in individuals affected with TWNK-related conditions. ClinVar contains an entry for this variant (Variation ID: 2996457). Invitae Evidence Modeling of protein sequence and biophysical properties (such as structural, functional, and spatial information, amino acid conservation, physicochemical variation, residue mobility, and thermodynamic stability) indicates that this missense variant is not expected to disrupt TWNK protein function with a negative predictive value of 95%. In summary, the available evidence is currently insufficient to determine the role of this variant in disease. Therefore, it has been classified as a Variant of Uncertain Significance.